The following is an entry in ClinVar:

NM_014927.5(CNKSR2):c.484C>T (p.Gln162Ter)

Gene: CNKSR2 (connector enhancer of kinase suppressor of Ras 2; plus strand). Cytogenetic location: Xp22.12.
Variant type: single nucleotide variant.
Coding change: c.484C>T on transcript NM_014927.5 (MANE Select); coding-DNA position 484, C replaced by T.
Protein change: p.Gln162Ter; replaces glutamine 162 with a stop codon.
Molecular consequence: nonsense.
Genome position (GRCh38, 1-based): chrX:21,440,746, C>T. VCF-style: chrX-21440746-C-T. GRCh37 (hg19) VCF-style: chrX-21458864-C-T.
Other names: c.484C>T, p.Gln162Ter (NM_001168647.3, NM_001168648.3, NM_001168649.3 and 4 more transcripts); short protein forms Q162*.
Identifiers: ClinVar variation 4795425 (VCV004795425.1).

ClinVar aggregate classification (germline): Pathogenic (1 of 4 stars; one submission).

Submission:

GeneDx
Classification: Pathogenic. Last evaluated: 2025-08-14. Review status: criteria provided, single submitter. Criteria: GeneDx Variant Classification Process June 2021. Collection method: clinical testing. Allele origin: germline. Affected: yes.
Comment: Nonsense variant predicted to result in protein truncation or nonsense mediated decay in a gene for which loss of function is a known mechanism of disease; Not observed at significant frequency in large population cohorts (gnomAD); This variant is associated with the following publications: (PMID: 30776697)